The following is an entry in ClinVar:

NM_000071.3(CBS):c.1553-13G>C

Gene: CBS (cystathionine beta-synthase; minus strand). Cytogenetic location: 21q22.3.
Variant type: single nucleotide variant.
Coding change: c.1553-13G>C on transcript NM_000071.3 (MANE Select); 13 bases into the intron before coding-DNA position 1553, G replaced by C.
Molecular consequence: intron variant.
Genome position (GRCh38, 1-based): chr21:43,053,996, C>G on the plus strand (G>C on the coding strand, the complement: CBS is on the minus strand). VCF-style: chr21-43053996-C-G. GRCh37 (hg19) VCF-style: chr21-44474106-C-G.
Other names: c.1553-13G>C (NM_001320298.2, NM_001178009.3, NM_001178008.3); c.1238-13G>C (NM_001321072.1).
Identifiers: ClinVar variation 511344 (VCV000511344.1), dbSNP rs766380369, ClinGen allele CA658799448.
Genomic context (GRCh38, chr21:43,053,996, plus strand): 5'-CCACCCCGAACACCATCTGCCGCTGACTGGACTTCCCGGTGCTGTGGTCTGAGGGGAGAA[C>G]GAGGCAGTGGGTTTGCAGGTGCCGTGGGAGGCTGGGTGGGCTGCTGCGGGGCAGGAGGCT-3'

ClinVar aggregate classification (germline): Likely benign (1 of 4 stars; one submission).

Submission:

GeneDx
Classification: Likely benign. Last evaluated: 2017-08-09. Review status: criteria provided, single submitter. Criteria: GeneDx Variant Classification (06012015). Collection method: clinical testing. Allele origin: germline. Affected: yes.
Comment: This variant is considered likely benign or benign based on one or more of the following criteria: it is a conservative change, it occurs at a poorly conserved position in the protein, it is predicted to be benign by multiple in silico algorithms, and/or has population frequency not consistent with disease.